The following is an entry in ClinVar:

NM_000088.4(COL1A1):c.3251G>A (p.Arg1084His)

Gene: COL1A1 (collagen type I alpha 1 chain; minus strand). Cytogenetic location: 17q21.33.
Variant type: single nucleotide variant.
Coding change: c.3251G>A on transcript NM_000088.4 (MANE Select); coding-DNA position 3251, G replaced by A.
Protein change: p.Arg1084His; replaces arginine 1084 with histidine.
Molecular consequence: missense variant.
Genome position (GRCh38, 1-based): chr17:50,188,106, C>T on the plus strand (G>A on the coding strand, the complement: COL1A1 is on the minus strand). VCF-style: chr17-50188106-C-T. GRCh37 (hg19) VCF-style: chr17-48265467-C-T.
Other names: c.3251G>A (NM_000088.3); short protein forms R1084H.
Identifiers: ClinVar variation 546802 (VCV000546802.51), dbSNP rs746341018, ClinGen allele CA8644510.

ClinVar aggregate classification (germline): Conflicting classifications of pathogenicity. Review status: criteria provided, conflicting classifications (1 of 4 stars). 4 submissions from 4 submitters: Uncertain significance (3); Likely benign (1). Last evaluated 2026-07-01.

Conditions:
Cardiovascular phenotype. Identifiers: MedGen CN230736.
Osteogenesis imperfecta type I (OI1). Also called: OI, TYPE I; OSTEOGENESIS IMPERFECTA TARDA; OSTEOGENESIS IMPERFECTA WITH BLUE SCLERAE; Lobstein disease; Lobstein's Disease; Classic Non-deforming Osteogenesis Imperfecta with Blue Sclerae. Identifiers: Orphanet 216796, Orphanet 666, MedGen C0023931, MONDO:0008146, OMIM 166200. Disease mechanism: loss of function.

Allele frequency attached by ClinVar (database versions not stated): TOPMed 0.00001; gnomAD 0.00003.
gnomAD v4.1: 16 of 1,590,616 alleles (0.001%); highest among the groups gnomAD compares: African/African-American, 0.004%; no homozygotes.

Submissions (4):

CeGaT Center for Human Genetics Tuebingen
Classification: Uncertain significance. Last evaluated: 2026-07-01. Review status: criteria provided, single submitter. Criteria: CeGaT Center For Human Genetics Tuebingen Variant Classification Criteria Version 2. Collection method: clinical testing. Allele origin: germline. Affected: yes. Observed: 4 variant alleles.

Ambry Genetics
Classification: Uncertain significance for Cardiovascular phenotype. Last evaluated: 2025-04-14. Review status: criteria provided, single submitter. Criteria: Ambry Variant Classification Scheme 2023. Collection method: clinical testing. Allele origin: germline.
Comment: The p.R1084H variant (also known as c.3251G>A), located in coding exon 44 of the COL1A1 gene, results from a G to A substitution at nucleotide position 3251. The arginine at codon 1084 is replaced by histidine, an amino acid with highly similar properties. This amino acid position is highly conserved in available vertebrate species. In addition, this alteration is predicted to be deleterious by in silico analysis. Based on the available evidence, the clinical significance of this variant remains unclear.

Labcorp Genetics (formerly Invitae), Labcorp
Classification: Likely benign for Osteogenesis imperfecta type I. Last evaluated: 2024-11-03. Review status: criteria provided, single submitter. Criteria: Invitae Variant Classification Sherloc (09022015). Collection method: clinical testing. Allele origin: germline.

ARUP Laboratories, Molecular Genetics and Genomics, ARUP Laboratories
Classification: Uncertain significance. Last evaluated: 2024-08-19. Review status: criteria provided, single submitter. Criteria: ARUP Molecular Germline Variant Investigation Process 2024. Collection method: clinical testing. Allele origin: germline.
Comment: The COL1A1 c.3251G>A; p.Arg1084His variant (rs746341018), to our knowledge, is not reported in the medical literature but is reported in ClinVar (Variation ID: 546802). This variant is observed in the general population with an overall allele frequency of 0.002% (4/235066 alleles) in the Genome Aggregation Database (v2.1.1). Computational analyses predict that this variant is deleterious (REVEL: 0.8). Due to limited information, the clinical significance of this variant is uncertain at this time.